The following is an entry in ClinVar:

ClinVar aggregate classification (germline): Uncertain significance (1 of 4 stars; one submission).

Conditions:
Distichiasis-lymphedema syndrome. Also called: LYMPHEDEMA WITH DISTICHIASIS. Identifiers: Orphanet 33001, MedGen C0265345, MONDO:0007922, OMIM 153400.

Submission:

Hunan Provincial Maternal and Child Health Care Hospital
Classification: Uncertain significance for Distichiasis-lymphedema syndrome. Last evaluated: 2025-05-01. Review status: criteria provided, single submitter. Criteria: ACMG Guidelines, 2015. Collection method: clinical testing. Allele origin: maternal. Inheritance: Autosomal dominant inheritance. Affected: yes. Observed: 1 heterozygote.
Comment: The NM_005251.3 c.228C>G,is a missense variant in FOXC2 which is disrupts the Ser76 amino acid residue.Multiple bioinformatics tools predicted deleterious effects on COL2A1(PP3;REVEL_score:0.925).This variant is not present in gnomAD (PM2_supporting; version 2.1.1).In summary, this variant to be classified as Uncertain significance for Lymphedema-distichiasis syndrome based on the ACMG criteria applied: PP3,PM2_supporting.

NM_005251.3(FOXC2):c.228C>G (p.Ser76Arg)

Genes: FOXC2-AS1 (FOXC2 antisense RNA 1; minus strand), FOXC2 (forkhead box C2; plus strand). Cytogenetic location: 16q24.1.
Variant type: single nucleotide variant.
Coding change: c.228C>G on transcript NM_005251.3 (MANE Select); coding-DNA position 228, C replaced by G.
Protein change: p.Ser76Arg; replaces serine 76 with arginine.
Molecular consequence: missense variant.
Genome position (GRCh38, 1-based): chr16:86,567,563, C>G. VCF-style: chr16-86567563-C-G. GRCh37 (hg19) VCF-style: chr16-86601169-C-G.
Other names: short protein forms S76R.
Identifiers: ClinVar variation 4278935 (VCV004278935.1).
Genomic context (GRCh38, chr16:86,567,563, plus strand): 5'-CGCGCCCTACCACCACCACCAGCCCGCGGCGCCTAAGGACCTGGTGAAGCCGCCCTACAG[C>G]TACATCGCGCTCATCACCATGGCCATCCAGAACGCGCCCGAGAAGAAGATCACCTTGAAC-3'
Protein context (NP_005242.1, residues 66-86): APKDLVKPPY[Ser76Arg]YIALITMAIQ